The following is an entry in ClinVar:

NM_005733.3(KIF20A):c.1469C>A (p.Thr490Asn)

Gene: KIF20A (kinesin family member 20A; plus strand). Cytogenetic location: 5q31.2.
Variant type: single nucleotide variant.
Coding change: c.1469C>A on transcript NM_005733.3 (MANE Select); coding-DNA position 1469, C replaced by A.
Protein change: p.Thr490Asn; replaces threonine 490 with asparagine.
Molecular consequence: missense variant.
Genome position (GRCh38, 1-based): chr5:138,184,355, C>A. VCF-style: chr5-138184355-C-A. GRCh37 (hg19) VCF-style: chr5-137520044-C-A.
Other names: short protein forms T490N.
Identifiers: ClinVar variation 1524696 (VCV001524696.6), dbSNP rs2151233435, ClinGen allele CA361116447.

ClinVar aggregate classification (germline): Uncertain significance (1 of 4 stars; one submission).

Submission:

Labcorp Genetics (formerly Invitae), Labcorp
Classification: Uncertain significance. Last evaluated: 2023-12-06. Review status: criteria provided, single submitter. Criteria: Invitae Variant Classification Sherloc (09022015). Collection method: clinical testing. Allele origin: germline.
Comment: This sequence change replaces threonine, which is neutral and polar, with asparagine, which is neutral and polar, at codon 490 of the KIF20A protein (p.Thr490Asn). This variant is not present in population databases (gnomAD no frequency). This variant has not been reported in the literature in individuals affected with KIF20A-related conditions. ClinVar contains an entry for this variant (Variation ID: 1524696). Algorithms developed to predict the effect of missense changes on protein structure and function output the following: SIFT: "Not Available"; PolyPhen-2: "Benign"; Align-GVGD: "Not Available". The asparagine amino acid residue is found in multiple mammalian species, which suggests that this missense change does not adversely affect protein function. In summary, the available evidence is currently insufficient to determine the role of this variant in disease. Therefore, it has been classified as a Variant of Uncertain Significance.